The following is an entry in ClinVar:

ClinVar aggregate classification (germline): Uncertain significance (1 of 4 stars; one submission).

Conditions:
Gorlin syndrome. Also called: Nevoid Basal Cell Carcinoma Syndrome; Basal cell nevus syndrome. Identifiers: Orphanet 377, MedGen C0004779, MONDO:0007187.

Submission:

Labcorp Genetics (formerly Invitae), Labcorp
Classification: Uncertain significance for Gorlin syndrome. Last evaluated: 2024-03-10. Review status: criteria provided, single submitter. Criteria: Invitae Variant Classification Sherloc (09022015). Collection method: clinical testing. Allele origin: germline.
Comment: This sequence change replaces leucine, which is neutral and non-polar, with phenylalanine, which is neutral and non-polar, at codon 819 of the PTCH1 protein (p.Leu819Phe). This variant is not present in population databases (gnomAD no frequency). This variant has not been reported in the literature in individuals affected with PTCH1-related conditions. Advanced modeling of protein sequence and biophysical properties (such as structural, functional, and spatial information, amino acid conservation, physicochemical variation, residue mobility, and thermodynamic stability) performed at Invitae indicates that this missense variant is not expected to disrupt PTCH1 protein function with a negative predictive value of 95%. In summary, the available evidence is currently insufficient to determine the role of this variant in disease. Therefore, it has been classified as a Variant of Uncertain Significance.

NM_000264.5(PTCH1):c.2455C>T (p.Leu819Phe)

Genes: PTCH1 (patched 1; minus strand), LOC100507346 (uncharacterized LOC100507346; plus strand). Cytogenetic location: 9q22.32.
Variant type: single nucleotide variant.
Coding change: c.2455C>T on transcript NM_000264.5 (MANE Select); coding-DNA position 2455, C replaced by T.
Protein change: p.Leu819Phe; replaces leucine 819 with phenylalanine.
Molecular consequence: missense variant. On other transcripts: non-coding transcript variant (1).
Genome position (GRCh38, 1-based): chr9:95,467,221, G>A on the plus strand (C>T on the coding strand, the complement: PTCH1 is on the minus strand). VCF-style: chr9-95467221-G-A. GRCh37 (hg19) VCF-style: chr9-98229503-G-A.
Other names: c.2257C>T, p.Leu753Phe (NM_001083602.3); c.2452C>T, p.Leu818Phe (NM_001083603.3); c.2002C>T, p.Leu668Phe (NM_001083604.3, NM_001083605.3, NM_001083606.3 and 1 more transcripts); c.2299C>T, p.Leu767Phe (NM_001354918.2); short protein forms L753F, L767F, L818F, L668F, L819F.
Identifiers: ClinVar variation 3635845 (VCV003635845.2).